The following is an entry in ClinVar:

NM_000257.4(MYH7):c.2554A>G (p.Met852Val)

Genes: MYH7 (myosin heavy chain 7; minus strand), LOC126861898 (BRD4-independent group 4 enhancer GRCh37_chr14:23893609-23894808; plus strand). Cytogenetic location: 14q11.2.
Variant type: single nucleotide variant.
Coding change: c.2554A>G on transcript NM_000257.4 (MANE Select); coding-DNA position 2554, A replaced by G.
Protein change: p.Met852Val; replaces methionine 852 with valine.
Molecular consequence: missense variant.
Genome position (GRCh38, 1-based): chr14:23,424,894, T>C on the plus strand (A>G on the coding strand, the complement: MYH7 is on the minus strand). VCF-style: chr14-23424894-T-C. GRCh37 (hg19) VCF-style: chr14-23894103-T-C.
Other names: c.2554A>G, p.Met852Val (NM_001407004.1); short protein forms M852V.
Identifiers: ClinVar variation 2630460 (VCV002630460.1), dbSNP rs1595082558, ClinGen allele CA389048169.
Genomic context (GRCh38, chr14:23,424,894, plus strand): 5'-CCTTGCGGCGAGCCTCGGACTTCTCTAGCGCCTCTTTGAGGCGTGTGAACTCCTCCTTCA[T>C]GGAGGCCATCTCCTTCTCTCTTTCTGCACTCTTCAGCAGCGGCTTGATCTTGAAGTAGAG-3'
Protein context (NP_000248.2, residues 842-862): SAEREKEMAS[Met852Val]KEEFTRLKEA

ClinVar aggregate classification (germline): Uncertain significance (1 of 4 stars; one submission).

Conditions:
MYH7-related disorder. Also called: MYH7-related disorders; MYH7-related condition; MYH7-related disease.

Submission:

PreventionGenetics, part of Exact Sciences
Classification: Uncertain significance for MYH7-related condition. Last evaluated: 2023-03-06. Review status: criteria provided, single submitter. Criteria: ACMG Guidelines, 2015. Collection method: clinical testing. Allele origin: germline.
Comment: The MYH7 c.2554A>G variant is predicted to result in the amino acid substitution p.Met852Val. To our knowledge, this variant has not been reported in the literature or in a large population database, indicating this variant is rare. Two different variants affecting the same amino acid (Met852Thr and Met852Ile) were reported to be associated with hypertrophic cardiomyopathy (see supplementary Table, Hathaway. 2021. PubMed ID: 33673806; Table S6, Park. 2022. PubMed ID: 34542152; Human Gene Mutation Database). This variant could be pathogenic. At this time, the clinical significance of this variant is uncertain due to the absence of conclusive functional and genetic evidence.